The following is an entry in ClinVar:

NM_004415.4(DSP):c.3332T>G (p.Ile1111Ser)

Gene: DSP (desmoplakin; plus strand). Cytogenetic location: 6p24.3.
Variant type: single nucleotide variant.
Coding change: c.3332T>G on transcript NM_004415.4 (MANE Select); coding-DNA position 3332, T replaced by G.
Protein change: p.Ile1111Ser; replaces isoleucine 1111 with serine.
Molecular consequence: missense variant.
Genome position (GRCh38, 1-based): chr6:7,579,522, T>G. VCF-style: chr6-7579522-T-G. GRCh37 (hg19) VCF-style: chr6-7579755-T-G.
Other names: c.3332T>G, p.Ile1111Ser (NM_001008844.3, NM_001319034.2); short protein forms I1111S.
Identifiers: ClinVar variation 3069765 (VCV003069765.1), dbSNP rs2533923169, ClinGen allele CA362683716.
Genomic context (GRCh38, chr6:7,579,522, plus strand): 5'-AGTCGGCTAAGCAAAATCTAGACAAGTGCTACGGCCAAATAAAAGAACTCAATGAGAAGA[T>G]CACCCGACTGACTTATGAGATTGAAGATGAAAAGAGAAGAAGAAAATCTGTGGAAGACAG-3'
Protein context (NP_004406.2, residues 1101-1121): YGQIKELNEK[Ile1111Ser]TRLTYEIEDE

ClinVar aggregate classification (germline): Uncertain significance (1 of 4 stars; one submission).

Conditions:
Arrhythmogenic cardiomyopathy with wooly hair and keratoderma. Also called: Carvajal syndrome; PALMOPLANTAR KERATODERMA WITH LEFT VENTRICULAR CARDIOMYOPATHY AND WOOLLY HAIR; Dilated cardiomyopathy with woolly hair and keratoderma; Arrhythmogenic cardiomyopathy with woolly hair and keratoderma. Identifiers: Orphanet 65282, MedGen C1854063, MONDO:0011581, OMIM 605676.

Submission:

All of Us Research Program, National Institutes of Health
Classification: Uncertain significance for Arrhythmogenic cardiomyopathy with wooly hair and keratoderma. Last evaluated: 2023-03-07. Review status: criteria provided, single submitter. Criteria: ACMG Guidelines, 2015. Collection method: clinical testing. Allele origin: germline. Inheritance: Autosomal dominant inheritance. Observed: 1 variant allele, 1 heterozygote.
Comment: This missense variant replaces isoleucine with serine at codon 1111 of the DSP protein. Computational prediction is inconclusive regarding the impact of this variant on protein structure and function (internally defined REVEL score threshold 0.5 < inconclusive < 0.7, PMID: 27666373). To our knowledge, functional studies have not been reported for this variant. This variant has not been reported in individuals affected with DSP-related disorders in the literature. This variant has not been identified in the general population by the Genome Aggregation Database (gnomAD). The available evidence is insufficient to determine the role of this variant in disease conclusively. Therefore, this variant is classified as a Variant of Uncertain Significance.

This study involves interpretation of variants in research participants for the purpose of population health screening. Participant phenotype was not available at the time of variant classification. Additional details can be found in publication PMID: 35346344, PMCID: PMC8962531